The following is an entry in ClinVar:

NM_001080517.3(SETD5):c.2884A>G (p.Ser962Gly)

Gene: SETD5 (SET domain containing 5; plus strand). Cytogenetic location: 3p25.3.
Variant type: single nucleotide variant.
Coding change: c.2884A>G on transcript NM_001080517.3 (MANE Select); coding-DNA position 2884, A replaced by G.
Protein change: p.Ser962Gly; replaces serine 962 with glycine.
Molecular consequence: missense variant.
Genome position (GRCh38, 1-based): chr3:9,470,618, A>G. VCF-style: chr3-9470618-A-G. GRCh37 (hg19) VCF-style: chr3-9512302-A-G.
Other names: c.2590A>G, p.Ser864Gly (NM_001292043.2, NM_001349451.2); short protein forms S962G, S864G.
Identifiers: ClinVar variation 2955398 (VCV002955398.3), dbSNP rs1364944392, ClinGen allele CA351680481.

ClinVar aggregate classification (germline): Uncertain significance (1 of 4 stars; one submission).

Allele frequency attached by ClinVar (database versions not stated): gnomAD exomes 0.00001.
gnomAD v4.1: 14 of 1,613,984 alleles (0.00087%); highest among the groups gnomAD compares: Non-Finnish European, 0.0012%; no homozygotes.

Submission:

Labcorp Genetics (formerly Invitae), Labcorp
Classification: Uncertain significance. Last evaluated: 2023-11-13. Review status: criteria provided, single submitter. Criteria: Invitae Variant Classification Sherloc (09022015). Collection method: clinical testing. Allele origin: germline.
Comment: This sequence change replaces serine, which is neutral and polar, with glycine, which is neutral and non-polar, at codon 962 of the SETD5 protein (p.Ser962Gly). This variant is present in population databases (no rsID available, gnomAD 0.0009%). This variant has not been reported in the literature in individuals affected with SETD5-related conditions. Advanced modeling of protein sequence and biophysical properties (such as structural, functional, and spatial information, amino acid conservation, physicochemical variation, residue mobility, and thermodynamic stability) performed at Invitae indicates that this missense variant is not expected to disrupt SETD5 protein function with a negative predictive value of 80%. In summary, the available evidence is currently insufficient to determine the role of this variant in disease. Therefore, it has been classified as a Variant of Uncertain Significance.